The following is an entry in ClinVar:

NM_000245.4(MET):c.581A>C (p.Asn194Thr)

Gene: MET (MET proto-oncogene, receptor tyrosine kinase; plus strand). Cytogenetic location: 7q31.2.
Variant type: single nucleotide variant.
Coding change: c.581A>C on transcript NM_000245.4 (MANE Select); coding-DNA position 581, A replaced by C.
Protein change: p.Asn194Thr; replaces asparagine 194 with threonine.
Molecular consequence: missense variant. On other transcripts: intron variant (1).
Genome position (GRCh38, 1-based): chr7:116,699,665, A>C. VCF-style: chr7-116699665-A-C. GRCh37 (hg19) VCF-style: chr7-116339719-A-C.
Other names: c.581A>C, p.Asn194Thr (NM_001127500.3, NM_001324401.3); c.-91+27088A>C (NM_001324402.2); short protein forms N194T.
Identifiers: ClinVar variation 582585 (VCV000582585.17), dbSNP rs370170168, ClinGen allele CA164888617.

ClinVar aggregate classification (germline): Conflicting classifications of pathogenicity. Review status: criteria provided, conflicting classifications (1 of 4 stars). 2 submissions from 2 submitters: Uncertain significance (1); Likely benign (1). Last evaluated 2026-06-02.

Conditions:
Renal cell carcinoma. Identifiers: Orphanet 217071, MedGen C0007134, MeSH D002292, MONDO:0005086, HP:0005584.
Hereditary cancer-predisposing syndrome. Also called: Tumor predisposition; Hereditary Cancer Syndrome; Neoplastic Syndromes, Hereditary; Hereditary neoplastic syndrome. Identifiers: Orphanet 140162, MedGen C0027672, MeSH D009386, MONDO:0015356.

Allele frequency attached by ClinVar (database versions not stated): ESP Exome Variant Server 0.00008; gnomAD exomes below 0.00001; TOPMed 0.00002.
gnomAD v4.1: 4 of 1,614,014 alleles (0.00025%); highest among the groups gnomAD compares: African/African-American, 0.004%; no homozygotes.

Submissions (2):

Ambry Genetics
Classification: Likely benign for Hereditary cancer-predisposing syndrome. Last evaluated: 2026-06-02. Review status: criteria provided, single submitter. Criteria: Ambry Variant Classification Scheme 2023. Collection method: clinical testing. Allele origin: germline.

Labcorp Genetics (formerly Invitae), Labcorp
Classification: Uncertain significance for Renal cell carcinoma. Last evaluated: 2025-10-05. Review status: criteria provided, single submitter. Criteria: Invitae Variant Classification Sherloc (09022015). Collection method: clinical testing. Allele origin: germline.
Comment: This sequence change replaces asparagine, which is neutral and polar, with threonine, which is neutral and polar, at codon 194 of the MET protein (p.Asn194Thr). This variant is not present in population databases (gnomAD no frequency). This variant has not been reported in the literature in individuals affected with MET-related conditions. ClinVar contains an entry for this variant (Variation ID: 582585). Invitae Evidence Modeling of protein sequence and biophysical properties (such as structural, functional, and spatial information, amino acid conservation, physicochemical variation, residue mobility, and thermodynamic stability) indicates that this missense variant is not expected to disrupt MET protein function with a negative predictive value of 80%. In summary, the available evidence is currently insufficient to determine the role of this variant in disease. Therefore, it has been classified as a Variant of Uncertain Significance.